The following is an entry in ClinVar:

ClinVar aggregate classification (germline): Conflicting classifications of pathogenicity. Review status: criteria provided, conflicting classifications (1 of 4 stars). 3 submissions from 3 submitters: Uncertain significance (1); Likely benign (2). Last evaluated 2026-01-17.

Conditions:
Autosomal recessive nonsyndromic hearing loss 9. Also called: Deafness, autosomal recessive 9; OTOF-Related Hearing Loss; AUDITORY NEUROPATHY, AUTOSOMAL RECESSIVE, 1, TEMPERATURE-SENSITIVE; NEUROSENSORY NONSYNDROMIC RECESSIVE DEAFNESS 9. Identifiers: Orphanet 90636, MedGen C1832828, MONDO:0010986, OMIM 601071.

Allele frequency attached by ClinVar (database versions not stated): gnomAD 0.00009; gnomAD exomes 0.00009 and 0.00017; TOPMed 0.00011; ExAC 0.00012; 1000 Genomes Project 30x 0.00031; ESP Exome Variant Server 0.00031; 1000 Genomes Project 0.00040.
gnomAD v4.1: 254 of 1,613,990 alleles (0.016%); highest among the groups gnomAD compares: Non-Finnish European, 0.02%; no homozygotes.

Submissions (3):

Labcorp Genetics (formerly Invitae), Labcorp
Classification: Likely benign. Last evaluated: 2026-01-17. Review status: criteria provided, single submitter. Criteria: Invitae Variant Classification Sherloc (09022015). Collection method: clinical testing. Allele origin: germline.

Illumina Laboratory Services, Illumina
Classification: Uncertain significance for Autosomal recessive nonsyndromic hearing loss 9. Last evaluated: 2018-02-02. Review status: criteria provided, single submitter. Criteria: ICSL Variant Classification Criteria 13 December 2019. Collection method: clinical testing. Allele origin: germline.

Laboratory for Molecular Medicine, Mass General Brigham Personalized Medicine
Classification: Likely benign. Last evaluated: 2017-07-13. Review status: criteria provided, single submitter. Criteria: LMM Criteria. Collection method: clinical testing. Allele origin: germline. Observed: 1 variant allele.
Comment: p.Asp1841Asp in Exon 43 of OTOF: This variant is not expected to have clinical s ignificance because it does not alter an amino acid residue and is not located w ithin the splice consensus sequence. It has been identified in 18/111524 of Euro pean chromosomes by the Genome Aggregation Database (gnomAD; dbSNP rs145894536).

NM_194248.3(OTOF):c.5523C>T (p.Asp1841=)

Gene: OTOF (otoferlin; minus strand). Cytogenetic location: 2p23.3.
Variant type: single nucleotide variant.
Coding change: c.5523C>T on transcript NM_194248.3 (MANE Select); coding-DNA position 5523, C replaced by T.
Protein change: p.Asp1841=; no amino-acid change (aspartic acid 1841 retained).
Molecular consequence: synonymous variant.
Genome position (GRCh38, 1-based): chr2:26,461,706, G>A on the plus strand (C>T on the coding strand, the complement: OTOF is on the minus strand). VCF-style: chr2-26461706-G-A. GRCh37 (hg19) VCF-style: chr2-26684574-G-A.
Other names: c.5523C>T, p.Asp1841= (NM_001287489.2); c.3222C>T, p.Asp1074= (NM_004802.4, NM_194323.3); c.3453C>T, p.Asp1151= (NM_194322.3).
Identifiers: ClinVar variation 504653 (VCV000504653.13), dbSNP rs145894536, ClinGen allele CA1562801.